The following is an entry in ClinVar:

ClinVar aggregate classification (germline): Uncertain significance (0 of 4 stars; one submission).

Conditions:
NRP2-related disorder. Also called: NRP2-related condition.

Allele frequency attached by ClinVar (database versions not stated): TOPMed 0.00001; ExAC 0.00002; gnomAD exomes 0.00002.

Submission:

PreventionGenetics, part of Exact Sciences
Classification: Uncertain significance for NRP2-related condition. Last evaluated: 2024-04-02. Review status: no assertion criteria provided. Collection method: clinical testing. Allele origin: germline.
Comment: The NRP2 c.788G>A variant is predicted to result in the amino acid substitution p.Arg263His. To our knowledge, this variant has not been reported in the literature. This variant is reported in 0.0054% of alleles in individuals of East Asian descent in gnomAD. At this time, the clinical significance of this variant is uncertain due to the absence of conclusive functional and genetic evidence.

NM_003872.3(NRP2):c.788G>A (p.Arg263His)

Gene: NRP2 (neuropilin 2; plus strand). Cytogenetic location: 2q33.3.
Variant type: single nucleotide variant.
Coding change: c.788G>A on transcript NM_003872.3 (MANE Select); coding-DNA position 788, G replaced by A.
Protein change: p.Arg263His; replaces arginine 263 with histidine.
Molecular consequence: missense variant.
Genome position (GRCh38, 1-based): chr2:205,723,908, G>A. VCF-style: chr2-205723908-G-A. GRCh37 (hg19) VCF-style: chr2-206588632-G-A.
Other names: c.788G>A, p.Arg263His (NM_018534.4, NM_201264.2, NM_201266.2 and 2 more transcripts); short protein forms R263H.
Identifiers: ClinVar variation 2634828 (VCV002634828.2), dbSNP rs199881632, ClinGen allele CA2068907.